The following is an entry in ClinVar:

NM_015205.3(ATP11A):c.1810-3C>T

Gene: ATP11A (ATPase phospholipid transporting 11A; plus strand). Cytogenetic location: 13q34.
Variant type: single nucleotide variant.
Coding change: c.1810-3C>T on transcript NM_015205.3 (MANE Select); 3 bases into the intron before coding-DNA position 1810, C replaced by T.
Molecular consequence: intron variant.
Genome position (GRCh38, 1-based): chr13:112,851,034, C>T. VCF-style: chr13-112851034-C-T. GRCh37 (hg19) VCF-style: chr13-113505348-C-T.
Other names: c.1810-3C>T (NM_001405663.1, NM_001405661.1, NM_032189.4 and 1 more transcripts).
Identifiers: ClinVar variation 2576073 (VCV002576073.2), dbSNP rs777510078, ClinGen allele CA7056964.
Genomic context (GRCh38, chr13:112,851,034, plus strand): 5'-GAGCGTAATATTTCAGCAAGTGACACCTTGAATTCGTGCTAAACGCTGCATTGTGTTCTG[C>T]AGGAGGGGCTCCGAACTTTGTGTGTTGCTTATAAAAGGCTGATCCAAGAAGAATATGAAG-3'

ClinVar aggregate classification (germline): Uncertain significance (1 of 4 stars; one submission).

Conditions:
Hearing loss, autosomal dominant 84. Also called: DEAFNESS, AUTOSOMAL DOMINANT 84. Identifiers: MedGen C5676952, MONDO:0030724, OMIM 619810.

Allele frequency attached by ClinVar (database versions not stated): gnomAD exomes below 0.00001; TOPMed below 0.00001; ExAC 0.00001.
gnomAD v4.1: 5 of 1,613,178 alleles (0.00031%); highest among the groups gnomAD compares: Non-Finnish European, 0.00042%; no homozygotes.

Submission:

Institute for Clinical Genetics, University Hospital TU Dresden, University Hospital TU Dresden
Classification: Uncertain significance for Hearing loss, autosomal dominant 84. Last evaluated: 2023-04-11. Review status: criteria provided, single submitter. Criteria: ACMG Guidelines, 2015. Collection method: clinical testing. Allele origin: germline. Affected: yes.
Comment: The above variant in the ATP11A gene (NM_015205.3:c.1810-3C>T, p.?) is an intronic alteration at position 1810-3 in close proximity to the canonical splice site between intron 17 and exon 18. This variant was not detected in the ClinVar database in diseased individuals nor in the gnomAD database in healthy individuals. A bioinformatics prediction algorithm (SpliceAI) estimates the variant to be insignificant for effects on splicing efficiency. According to current ACMG recommendations for variant assessment (PMID 25741868), the PM2_SUP criterion is met, resulting in an assessment as a variant of unclear significance (ACMG class 3).